The following is an entry in ClinVar:

NM_015214.3(DDHD2):c.795A>G (p.Val265=)

Gene: DDHD2 (DDHD domain containing 2; plus strand). Cytogenetic location: 8p11.23.
Variant type: single nucleotide variant.
Coding change: c.795A>G on transcript NM_015214.3 (MANE Select); coding-DNA position 795, A replaced by G.
Protein change: p.Val265=; no amino-acid change (valine 265 retained).
Molecular consequence: synonymous variant. On other transcripts: non-coding transcript variant (2).
Genome position (GRCh38, 1-based): chr8:38,242,332, A>G. VCF-style: chr8-38242332-A-G. GRCh37 (hg19) VCF-style: chr8-38099850-A-G.
Other names: c.795A>G, p.Val265= (NM_001164232.2, NM_001362911.2, NM_001362912.2 and 1 more transcripts); c.705A>G, p.Val235= (NM_001362913.2).
Identifiers: ClinVar variation 513160 (VCV000513160.3), dbSNP rs776706696, ClinGen allele CA4716077.

ClinVar aggregate classification (germline): Likely benign. Review status: criteria provided, multiple submitters, no conflicts (2 of 4 stars). 2 submissions from 2 submitters: Likely benign (2). Last evaluated 2026-05-01.

Allele frequency attached by ClinVar (database versions not stated): gnomAD exomes 0.00001 and 0.00003; gnomAD below 0.00001 and 0.00001; ExAC 0.00001.
gnomAD v4.1: 9 of 1,611,290 alleles (0.00056%); highest among the groups gnomAD compares: East Asian, 0.0067%; no homozygotes.

Submissions (2):

CeGaT Center for Human Genetics Tuebingen
Classification: Likely benign. Last evaluated: 2026-05-01. Review status: criteria provided, single submitter. Criteria: CeGaT Center For Human Genetics Tuebingen Variant Classification Criteria Version 2. Collection method: clinical testing. Allele origin: germline. Affected: yes. Observed: 1 variant allele.
Comment: DDHD2: BP4, BP7

GeneDx
Classification: Likely benign. Last evaluated: 2017-12-01. Review status: criteria provided, single submitter. Criteria: GeneDx Variant Classification (06012015). Collection method: clinical testing. Allele origin: germline. Affected: yes.
Comment: This variant is considered likely benign or benign based on one or more of the following criteria: it is a conservative change, it occurs at a poorly conserved position in the protein, it is predicted to be benign by multiple in silico algorithms, and/or has population frequency not consistent with disease.